The following is an entry in ClinVar:

NM_001673.5(ASNS):c.552C>A (p.His184Gln)

Genes: ASNS (asparagine synthetase (glutamine-hydrolyzing); minus strand), CZ1P-ASNS (CZ1P-ASNS readthrough; minus strand). Cytogenetic location: 7q21.3.
Variant type: single nucleotide variant.
Coding change: c.552C>A on transcript NM_001673.5 (MANE Select); coding-DNA position 552, C replaced by A.
Protein change: p.His184Gln; replaces histidine 184 with glutamine.
Molecular consequence: missense variant. On other transcripts: non-coding transcript variant (1).
Genome position (GRCh38, 1-based): chr7:97,859,334, G>T on the plus strand (C>A on the coding strand, the complement: ASNS is on the minus strand). VCF-style: chr7-97859334-G-T. GRCh37 (hg19) VCF-style: chr7-97488646-G-T.
Other names: c.489C>A, p.His163Gln (NM_001178075.2); c.303C>A, p.His101Gln (NM_001178076.2, NM_001178077.1); c.552C>A, p.His184Gln (NM_001352496.2, NM_133436.3, NM_183356.4); short protein forms H184Q, H163Q, H101Q.
Identifiers: ClinVar variation 1362408 (VCV001362408.6), dbSNP rs2115660285, ClinGen allele CA368269963.

ClinVar aggregate classification (germline): Uncertain significance (1 of 4 stars; one submission).

Allele frequency attached by ClinVar (database versions not stated): gnomAD exomes below 0.00001.
gnomAD v4.1: 1 of 1,614,148 alleles (0.000062%); highest among the groups gnomAD compares: Non-Finnish European, 0.000085%; no homozygotes.

Submission:

Labcorp Genetics (formerly Invitae), Labcorp
Classification: Uncertain significance. Last evaluated: 2021-10-21. Review status: criteria provided, single submitter. Criteria: Invitae Variant Classification Sherloc (09022015). Collection method: clinical testing. Allele origin: germline.
Comment: In summary, the available evidence is currently insufficient to determine the role of this variant in disease. Therefore, it has been classified as a Variant of Uncertain Significance. Advanced modeling of protein sequence and biophysical properties (such as structural, functional, and spatial information, amino acid conservation, physicochemical variation, residue mobility, and thermodynamic stability) performed at Invitae indicates that this missense variant is expected to disrupt ASNS protein function. This variant has not been reported in the literature in individuals with ASNS-related conditions. This variant is not present in population databases (ExAC no frequency). This sequence change replaces histidine with glutamine at codon 184 of the ASNS protein (p.His184Gln). The histidine residue is highly conserved and there is a small physicochemical difference between histidine and glutamine.